The following is an entry in ClinVar:

ClinVar aggregate classification (germline): Uncertain significance (1 of 4 stars; one submission).

Submission:

GeneDx
Classification: Uncertain significance. Last evaluated: 2023-07-05. Review status: criteria provided, single submitter. Criteria: GeneDx Variant Classification Process June 2021. Collection method: clinical testing. Allele origin: germline. Affected: yes.
Comment: Not observed at significant frequency in large population cohorts (gnomAD); In silico analysis supports that this missense variant has a deleterious effect on protein structure/function; Has not been previously published as pathogenic or benign to our knowledge

NM_014232.3(VAMP2):c.188T>C (p.Leu63Pro)

Gene: VAMP2 (vesicle associated membrane protein 2; minus strand). Cytogenetic location: 17p13.1.
Variant type: single nucleotide variant.
Coding change: c.188T>C on transcript NM_014232.3 (MANE Select); coding-DNA position 188, T replaced by C.
Protein change: p.Leu63Pro; replaces leucine 63 with proline.
Molecular consequence: missense variant.
Genome position (GRCh38, 1-based): chr17:8,161,702, A>G on the plus strand (T>C on the coding strand, the complement: VAMP2 is on the minus strand). VCF-style: chr17-8161702-A-G. GRCh37 (hg19) VCF-style: chr17-8065020-A-G.
Other names: c.194T>C, p.Leu65Pro (NM_001330125.1); short protein forms L63P, L65P.
Identifiers: ClinVar variation 3360767 (VCV003360767.1).
Genomic context (GRCh38, chr17:8,161,702, plus strand): 5'-TTGGCTGCGCTTGTTTCAAACTGGGAGGCCCCCGCCTGGAGTGCATCTGCACGGTCGTCC[A>G]GCTCCGACAGCTTCTGGTCTCGCTCCAGGACCTTGTCCACGTTCACCCTCATGATGTCCA-3'
Protein context (NP_055047.2, residues 53-73): VLERDQKLSE[Leu63Pro]DDRADALQAG